The following is an entry in ClinVar:

ClinVar aggregate classification (germline): Likely benign. Review status: criteria provided, multiple submitters, no conflicts (2 of 4 stars). 3 submissions from 3 submitters: Likely benign (3). Last evaluated 2025-11-17.

Conditions:
Cardiomyopathy (CMYO). Also called: Cardiomyopathies. Identifiers: Orphanet 167848, MedGen C0878544, MONDO:0004994, HP:0001638. Inheritance: Various modes of inheritance.
Arrhythmogenic right ventricular dysplasia 5. Also called: ARRHYTHMOGENIC RIGHT VENTRICULAR DYSPLASIA, FAMILIAL, 5; Arrhythmogenic Right Ventricular Dysplasia/Cardiomyopathy 5. Identifiers: MedGen C1858379, MONDO:0011459, OMIM 604400.

Allele frequency attached by ClinVar (database versions not stated): gnomAD exomes 0.00001; TOPMed 0.00003; ExAC 0.00001; gnomAD 0.00003.

Submissions (3):

Labcorp Genetics (formerly Invitae), Labcorp
Classification: Likely benign for Arrhythmogenic right ventricular dysplasia 5. Last evaluated: 2025-11-17. Review status: criteria provided, single submitter. Criteria: Invitae Variant Classification Sherloc (09022015). Collection method: clinical testing. Allele origin: germline.

All of Us Research Program, National Institutes of Health
Classification: Likely benign for Arrhythmogenic right ventricular dysplasia 5. Last evaluated: 2024-02-05. Review status: criteria provided, single submitter. Criteria: ACMG Guidelines, 2015. Collection method: clinical testing. Allele origin: germline. Inheritance: Autosomal dominant inheritance. Observed: 1 variant allele, 1 heterozygote.
Comment: This study involves interpretation of variants in research participants for the purpose of population health screening. Participant phenotype was not available at the time of variant classification. Additional details can be found in publication PMID: 35346344, PMCID: PMC8962531

Color Diagnostics, LLC DBA Color Health
Classification: Likely benign for Cardiomyopathy. Last evaluated: 2018-12-01. Review status: criteria provided, single submitter. Criteria: ACMG Guidelines, 2015. Collection method: clinical testing. Allele origin: germline.

NM_024334.3(TMEM43):c.584-13C>G

Gene: TMEM43 (transmembrane protein 43; plus strand). Cytogenetic location: 3p25.1.
Variant type: single nucleotide variant.
Coding change: c.584-13C>G on transcript NM_024334.3 (MANE Select); 13 bases into the intron before coding-DNA position 584, C replaced by G.
Molecular consequence: intron variant.
Genome position (GRCh38, 1-based): chr3:14,134,757, C>G. VCF-style: chr3-14134757-C-G. GRCh37 (hg19) VCF-style: chr3-14176257-C-G.
Identifiers: ClinVar variation 928199 (VCV000928199.6), dbSNP rs748146417, ClinGen allele CA054544.